The following is an entry in ClinVar:

NM_006767.3(LZTR1):c.264delG

Gene: LZTR1 (leucine zipper like post translational regulator 1; plus strand). Cytogenetic location: 22q11.21.
Variant type: Deletion.
Coding change: c.264delG on transcript NM_006767.3; coding-DNA position 264, one base deleted (G).
Genome position (GRCh38, 1-based): chr22:20,985,841, G deleted; the last of 2 consecutive G bases (chr22:20,985,840-20,985,841); deleting either gives the same sequence. VCF-style (leftmost placement, unchanged base first): chr22-20985839-AG-A. GRCh37 (hg19) VCF-style: chr22-21340128-AG-A.
Identifiers: ClinVar variation 3541531 (VCV003541531.2).

ClinVar aggregate classification (germline): Pathogenic (1 of 4 stars; one submission).

Conditions:
Cardiovascular phenotype. Identifiers: MedGen CN230736.
Hereditary cancer-predisposing syndrome. Also called: Tumor predisposition; Hereditary Cancer Syndrome; Neoplastic Syndromes, Hereditary; Hereditary neoplastic syndrome. Identifiers: Orphanet 140162, MedGen C0027672, MeSH D009386, MONDO:0015356.

Submission:

Ambry Genetics
Classification: Pathogenic for Cardiovascular phenotype; Hereditary cancer-predisposing syndrome. Last evaluated: 2025-08-08. Review status: criteria provided, single submitter. Criteria: Ambry Variant Classification Scheme 2023. Collection method: clinical testing. Allele origin: germline.
Comment: The c.264delG pathogenic mutation, located in coding exon 3 of the LZTR1 gene, results from a deletion of one nucleotide at nucleotide position 264, causing a translational frameshift with a predicted alternate stop codon (p.K89Rfs*12). This variant is considered to be rare based on population cohorts in the Genome Aggregation Database (gnomAD). This alteration is expected to result in loss of function by premature protein truncation or nonsense-mediated mRNA decay. Loss-of-function variants in LZTR1 are related to an increased risk for schwannomas and autosomal recessive Noonan syndrome; however, such associations with autosomal dominant Noonan syndrome have not been observed (Piotrowski A et al. Nat Genet. 2014 Feb;46:182-7; Yamamoto GL et al. J Med Genet. 2015 Jun;52:413-21; Johnston JJ et al. Genet Med. 2018 10;20:1175-1185). Based on the supporting evidence, this variant is pathogenic for an increased risk of LZTR1-related schwannomatosis (SWN) and would be expected to cause autosomal recessive Noonan syndrome when present along with a second pathogenic or likely pathogenic variant on the other allele; however, the association of this alteration with autosomal dominant Noonan syndrome is unlikely.